The following is an entry in ClinVar:

ClinVar aggregate classification (germline): Conflicting classifications of pathogenicity. Review status: criteria provided, conflicting classifications (1 of 4 stars). 4 submissions from 4 submitters: Uncertain significance (1); Benign (2); Likely benign (1). Last evaluated 2025-12-16.

Conditions:
Familial cancer of breast. Also called: Hereditary breast cancer; BREAST CANCER, FAMILIAL; hereditary breast carcinoma. Identifiers: Orphanet 227535, MedGen C0346153, MONDO:0016419, OMIM 114480. Disease mechanism: loss of function.
Hereditary cancer-predisposing syndrome. Also called: Hereditary neoplastic syndrome; Tumor predisposition; Neoplastic Syndromes, Hereditary; Hereditary Cancer Syndrome. Identifiers: Orphanet 140162, MedGen C0027672, MeSH D009386, MONDO:0015356.

Submissions (4):

Labcorp Genetics (formerly Invitae), Labcorp
Classification: Benign for Familial cancer of breast. Last evaluated: 2025-12-16. Review status: criteria provided, single submitter. Criteria: Invitae Variant Classification Sherloc (09022015). Collection method: clinical testing. Allele origin: germline.

Myriad Genetics, Inc.
Classification: Benign for Familial cancer of breast. Last evaluated: 2025-01-17. Review status: criteria provided, single submitter. Criteria: Myriad Autosomal Dominant, Autosomal Recessive and X-Linked Classification Criteria (2023). Collection method: clinical testing. Allele origin: unknown.
Comment: This variant is considered benign. This variant is intronic and is not expected to impact mRNA splicing. This variant is strongly associated with less severe personal and family histories of cancer, typical for individuals without pathogenic variants in this gene [PMID: 25085752].

Color Diagnostics, LLC DBA Color Health
Classification: Likely benign for Hereditary cancer-predisposing syndrome. Last evaluated: 2018-12-03. Review status: criteria provided, single submitter. Criteria: ACMG Guidelines, 2015. Collection method: clinical testing. Allele origin: germline.

GeneDx
Classification: Uncertain significance. Last evaluated: 2016-07-27. Review status: criteria provided, single submitter. Criteria: GeneDx Variant Classification (06012015). Collection method: clinical testing. Allele origin: germline. Affected: yes.
Comment: This variant is denoted PALB2 c.2835-18dupT or IVS8-18dupTand consists of a duplication of thymine (T) at the -18 position of intron 8 of the PALB2 gene. The normal sequence, with the base that is duplicated in braces, is atttt[t]cctt. PALB2 c.2835-18dupT was not observed in approximately 6,500 individuals of European and African American ancestry in the NHLBI Exome Variant Server, indicating it is not a common benign variant in these populations. This variant has not, to our knowledge, been published in the literature as pathogenic or benign. In silico models are inconclusive with respect to splicing, and in the absence of RNA or functional studies, the actual effect of this variant is unknown. Therefore, based on currently available information, it is unclear whether PALB2 c.2835-18dupT is a pathogenic or a benign variant.

Literature cited by the submitters: PubMed 25085752 (cited by Myriad Genetics, Inc.).

NM_024675.4(PALB2):c.2835-22dup

Gene: PALB2 (partner and localizer of BRCA2; minus strand). Cytogenetic location: 16p12.2.
Variant type: Duplication.
Coding change: c.2835-22dup on transcript NM_024675.4 (MANE Select); 22 bases into the intron before coding-DNA position 2835, one base duplicated (T; older notation c.2835-22dupT).
Molecular consequence: intron variant.
Genome position (GRCh38, 1-based): chr16:23,623,148, A duplicated on the plus strand (T on the coding strand, the reverse complement: PALB2 is on the minus strand); the first of 5 consecutive A bases (chr16:23,623,148-23,623,152); duplicating any one gives the same sequence. VCF-style (leftmost placement, unchanged base first): chr16-23623147-G-GA. GRCh37 (hg19) VCF-style: chr16-23634468-G-GA.
Other names: c.2835-18dupT (NM_024675.3).
Identifiers: ClinVar variation 420276 (VCV000420276.13), dbSNP rs1555459610, ClinGen allele CA16620125.